The following is an entry in ClinVar:

ClinVar aggregate classification (germline): Uncertain significance (1 of 4 stars; one submission).

Conditions:
Spermatogenic failure 55. Identifiers: MedGen C5543580, MONDO:0030307, OMIM 619380.

gnomAD v4.1: 17 of 1,612,794 alleles (0.0011%); highest among the groups gnomAD compares: African/African-American, 0.0013%; no homozygotes.

Submission:

Juno Genomics, Hangzhou Juno Genomics, Inc
Classification: Uncertain significance for Spermatogenic failure 55. Review status: criteria provided, single submitter. Criteria: ACMG Guidelines, 2015. Collection method: clinical testing. Allele origin: germline.
Comment: Absent from controls (or at extremely low frequency if recessive) in Genome Aggregation Database.

NM_206996.4(SPAG17):c.4966C>T (p.Arg1656Ter)

Gene: SPAG17 (sperm associated antigen 17; minus strand). Cytogenetic location: 1p12.
Variant type: single nucleotide variant.
Coding change: c.4966C>T on transcript NM_206996.4 (MANE Select); coding-DNA position 4966, C replaced by T.
Protein change: p.Arg1656Ter; replaces arginine 1656 with a stop codon.
Molecular consequence: nonsense.
Genome position (GRCh38, 1-based): chr1:117,996,457, G>A on the plus strand (C>T on the coding strand, the complement: SPAG17 is on the minus strand). VCF-style: chr1-117996457-G-A. GRCh37 (hg19) VCF-style: chr1-118539080-G-A.
Other names: short protein forms R1656*.
Identifiers: ClinVar variation 5006454 (VCV005006454.2).